The following is an entry in ClinVar:

NM_004304.5(ALK):c.3172+722A>G

Gene: ALK (ALK receptor tyrosine kinase; minus strand). Cytogenetic location: 2p23.2.
Variant type: single nucleotide variant.
Coding change: c.3172+722A>G on transcript NM_004304.5 (MANE Select); 722 bases into the intron after coding-DNA position 3172, A replaced by G.
Molecular consequence: intron variant.
Genome position (GRCh38, 1-based): chr2:29,224,739, T>C on the plus strand (A>G on the coding strand, the complement: ALK is on the minus strand). VCF-style: chr2-29224739-T-C. GRCh37 (hg19) VCF-style: chr2-29447605-T-C.
Identifiers: ClinVar variation 2650793 (VCV002650793.24), dbSNP rs549728442, ClinGen allele CA44632692.
Genomic context (GRCh38, chr2:29,224,739, plus strand): 5'-CTGAGGATCGAATGAATTGAAATGTGTAAATTGCCGAGCACGTAGTAACCATGCAACAAG[T>C]GTTAGCTCCTATTATCCTGTCCCTTTGAGGGATGGCACCATATGGGGACACAGTGTGTGC-3'

ClinVar aggregate classification (germline): Benign (1 of 4 stars; one submission).

Allele frequency attached by ClinVar (database versions not stated): 1000 Genomes Project 30x 0.00016; 1000 Genomes Project 0.00020; gnomAD 0.00086; TOPMed 0.00092; gnomAD exomes 0.00190.
gnomAD v4.1: 259 of 216,770 alleles (0.12%); highest among the groups gnomAD compares: Middle Eastern, 1.3%; no homozygotes.

Submission:

CeGaT Center for Human Genetics Tuebingen
Classification: Benign. Last evaluated: 2023-02-01. Review status: criteria provided, single submitter. Criteria: CeGaT Center For Human Genetics Tuebingen Variant Classification Criteria Version 2. Collection method: clinical testing. Allele origin: germline. Affected: yes. Observed: 6 variant alleles.
Comment: ALK: BS1, BS2